The following is an entry in ClinVar:

ClinVar aggregate classification (germline): Uncertain significance (1 of 4 stars; one submission).

Conditions:
Perlman syndrome (PRLMNS). Identifiers: Orphanet 2849, MedGen C0796113, MONDO:0009965, OMIM 267000.

Submission:

Labcorp Genetics (formerly Invitae), Labcorp
Classification: Uncertain significance for Perlman syndrome. Last evaluated: 2023-06-30. Review status: criteria provided, single submitter. Criteria: Invitae Variant Classification Sherloc (09022015). Collection method: clinical testing. Allele origin: germline.
Comment: This sequence change replaces alanine, which is neutral and non-polar, with aspartic acid, which is acidic and polar, at codon 781 of the DIS3L2 protein (p.Ala781Asp). In summary, the available evidence is currently insufficient to determine the role of this variant in disease. Therefore, it has been classified as a Variant of Uncertain Significance. Advanced modeling of protein sequence and biophysical properties (such as structural, functional, and spatial information, amino acid conservation, physicochemical variation, residue mobility, and thermodynamic stability) performed at Invitae indicates that this missense variant is not expected to disrupt DIS3L2 protein function. ClinVar contains an entry for this variant (Variation ID: 1715205). This variant has not been reported in the literature in individuals affected with DIS3L2-related conditions. This variant is not present in population databases (gnomAD no frequency).

NM_152383.5(DIS3L2):c.2342C>A (p.Ala781Asp)

Gene: DIS3L2 (DIS3 like 3'-5' exoribonuclease 2; plus strand). Cytogenetic location: 2q37.1.
Variant type: single nucleotide variant.
Coding change: c.2342C>A on transcript NM_152383.5 (MANE Select); coding-DNA position 2342, C replaced by A.
Protein change: p.Ala781Asp; replaces alanine 781 with aspartic acid.
Molecular consequence: missense variant. On other transcripts: non-coding transcript variant (2), intron variant (1).
Genome position (GRCh38, 1-based): chr2:232,334,683, C>A. VCF-style: chr2-232334683-C-A. GRCh37 (hg19) VCF-style: chr2-233199393-C-A.
Other names: c.1582-8662C>A (NM_001257281.2); short protein forms A781D.
Identifiers: ClinVar variation 1715205 (VCV001715205.5), dbSNP rs1258800876, ClinGen allele CA350978017.